The following is an entry in ClinVar:

ClinVar aggregate classification (germline): Uncertain significance (1 of 4 stars; one submission).

Conditions:
Arrhythmogenic right ventricular dysplasia 10. Also called: Arrhythmogenic right ventricular dysplasia/cardiomyopathy, type 10; Arrhythmogenic Right Ventricular Dysplasia/Cardiomyopathy10; ARRHYTHMOGENIC RIGHT VENTRICULAR DYSPLASIA, FAMILIAL, 10. Identifiers: MedGen C1857777, MONDO:0012434, OMIM 610193.

Submission:

Labcorp Genetics (formerly Invitae), Labcorp
Classification: Uncertain significance for Arrhythmogenic right ventricular dysplasia 10. Last evaluated: 2024-11-04. Review status: criteria provided, single submitter. Criteria: Invitae Variant Classification Sherloc (09022015). Collection method: clinical testing. Allele origin: germline.
Comment: This sequence change replaces valine, which is neutral and non-polar, with glycine, which is neutral and non-polar, at codon 290 of the DSG2 protein (p.Val290Gly). This variant is not present in population databases (gnomAD no frequency). This variant has not been reported in the literature in individuals affected with DSG2-related conditions. ClinVar contains an entry for this variant (Variation ID: 1370858). Invitae Evidence Modeling of protein sequence and biophysical properties (such as structural, functional, and spatial information, amino acid conservation, physicochemical variation, residue mobility, and thermodynamic stability) has been performed for this missense variant. However, the output from this modeling did not meet the statistical confidence thresholds required to predict the impact of this variant on DSG2 protein function. Algorithms developed to predict the effect of sequence changes on RNA splicing suggest that this variant may create or strengthen a splice site. In summary, the available evidence is currently insufficient to determine the role of this variant in disease. Therefore, it has been classified as a Variant of Uncertain Significance.

NM_001943.5(DSG2):c.869T>G (p.Val290Gly)

Gene: DSG2 (desmoglein 2; plus strand). Cytogenetic location: 18q12.1.
Variant type: single nucleotide variant.
Coding change: c.869T>G on transcript NM_001943.5 (MANE Select); coding-DNA position 869, T replaced by G.
Protein change: p.Val290Gly; replaces valine 290 with glycine.
Molecular consequence: missense variant.
Genome position (GRCh38, 1-based): chr18:31,524,743, T>G. VCF-style: chr18-31524743-T-G. GRCh37 (hg19) VCF-style: chr18-29104706-T-G.
Other names: short protein forms V290G.
Identifiers: ClinVar variation 1370858 (VCV001370858.5), dbSNP rs2144322727, ClinGen allele CA402135510.
Genomic context (GRCh38, chr18:31,524,743, plus strand): 5'-CATGTGTTCATGTTTTGCAGCTTGAAGGGATGGTTGAAGAAAATCAAGTCAACGTAGAAG[T>G]TACGCGCATAAAAGTGTTCGATGCAGATGAAATAGGTTCTGATAATTGGCTGGCAAATTT-3'
Protein context (NP_001934.2, residues 280-300): MVEENQVNVE[Val290Gly]TRIKVFDADE